The following is an entry in ClinVar:

ClinVar aggregate classification (germline): Benign (1 of 4 stars; one submission).

Conditions:
Progressive myositis ossificans (FOP). Also called: Fibrodysplasia Ossificans Progressiva; Myositis ossificans progressiva; Progressive ossifying myositis. Identifiers: Orphanet 337, MedGen C0016037, MONDO:0007606, OMIM 135100.

Allele frequency attached by ClinVar (database versions not stated): 1000 Genomes Project 30x 0.00062; 1000 Genomes Project 0.00100; gnomAD 0.00135 and 0.00141; TOPMed 0.00156.

Submission:

Illumina Laboratory Services, Illumina
Classification: Benign for Progressive myositis ossificans. Last evaluated: 2018-01-12. Review status: criteria provided, single submitter. Criteria: ICSL Variant Classification Criteria 13 December 2019. Collection method: clinical testing. Allele origin: germline.
Comment: This variant was observed in the ICSL laboratory as part of a predisposition screen in an ostensibly healthy population. It had not been previously curated by ICSL or reported in the Human Gene Mutation Database (HGMD: prior to June 1st, 2018), and was therefore a candidate for classification through an automated scoring system. Utilizing variant allele frequency, disease prevalence and penetrance estimates, and inheritance mode, an automated score was calculated to assess if this variant is too frequent to cause the disease. Based on the score and internal cut-off values, a variant classified as benign is not then subjected to further curation. The score for this variant resulted in a classification of benign for this disease.

NM_001111067.4(ACVR1):c.-182-10C>T

Gene: ACVR1 (activin A receptor type 1; minus strand). Cytogenetic location: 2q24.1.
Variant type: single nucleotide variant.
Coding change: c.-182-10C>T on transcript NM_001111067.4 (MANE Select); 10 bases into the intron before 182 bases upstream of the start codon, C replaced by T.
Molecular consequence: intron variant.
Genome position (GRCh38, 1-based): chr2:157,818,569, G>A on the plus strand (C>T on the coding strand, the complement: ACVR1 is on the minus strand). VCF-style: chr2-157818569-G-A. GRCh37 (hg19) VCF-style: chr2-158675081-G-A.
Other names: c.-182-10C>T (NM_001347665.1, NM_001347664.1, NM_001347666.1 and 3 more transcripts).
Identifiers: ClinVar variation 893907 (VCV000893907.4), dbSNP rs186304210, ClinGen allele CA59285024.